The following is an entry in ClinVar:

ClinVar aggregate classification (germline): Uncertain significance (1 of 4 stars; one submission).

Submission:

Labcorp Genetics (formerly Invitae), Labcorp
Classification: Uncertain significance. Last evaluated: 2023-04-20. Review status: criteria provided, single submitter. Criteria: Invitae Variant Classification Sherloc (09022015). Collection method: clinical testing. Allele origin: germline.
Comment: This sequence change replaces proline, which is neutral and non-polar, with leucine, which is neutral and non-polar, at codon 306 of the CACNA1F protein (p.Pro306Leu). In summary, the available evidence is currently insufficient to determine the role of this variant in disease. Therefore, it has been classified as a Variant of Uncertain Significance. Advanced modeling of protein sequence and biophysical properties (such as structural, functional, and spatial information, amino acid conservation, physicochemical variation, residue mobility, and thermodynamic stability) performed at Invitae indicates that this missense variant is expected to disrupt CACNA1F protein function. This variant has not been reported in the literature in individuals affected with CACNA1F-related conditions. This variant is not present in population databases (gnomAD no frequency).

NM_001256789.3(CACNA1F):c.917C>T (p.Pro306Leu)

Gene: CACNA1F (calcium voltage-gated channel subunit alpha1 F; minus strand). Cytogenetic location: Xp11.23.
Variant type: single nucleotide variant.
Coding change: c.917C>T on transcript NM_001256789.3 (MANE Select); coding-DNA position 917, C replaced by T.
Protein change: p.Pro306Leu; replaces proline 306 with leucine.
Molecular consequence: missense variant.
Genome position (GRCh38, 1-based): chrX:49,228,348, G>A on the plus strand (C>T on the coding strand, the complement: CACNA1F is on the minus strand). VCF-style: chrX-49228348-G-A. GRCh37 (hg19) VCF-style: chrX-49084810-G-A.
Other names: c.722C>T, p.Pro241Leu (NM_001256790.3); c.917C>T, p.Pro306Leu (NM_005183.4); short protein forms P241L, P306L.
Identifiers: ClinVar variation 2857885 (VCV002857885.3), dbSNP rs2519131725, ClinGen allele CA412922889.